The following is an entry in ClinVar:

ClinVar aggregate classification (germline): Uncertain significance. Review status: criteria provided, multiple submitters, no conflicts (2 of 4 stars). 2 submissions from 2 submitters: Uncertain significance (2). Last evaluated 2026-06-08.

Conditions:
Desmin-related myofibrillar myopathy (MFM1). Also called: Desminopathy; Desmin related myopathy (former name); Desmin storage myopathy (former name); MYOFIBRILLAR MYOPATHY WITH ARRHYTHMOGENIC RIGHT VENTRICULAR CARDIOMYOPATHY; DESMIN-RELATED MYOPATHY WITH ARRHYTHMOGENIC RIGHT VENTRICULAR CARDIOMYOPATHY; Myofibrillar myopathy 1. Identifiers: Orphanet 363543, Orphanet 98909, MedGen C1832370, MONDO:0011076, OMIM 601419.
Cardiovascular phenotype. Identifiers: MedGen CN230736.

Allele frequency attached by ClinVar (database versions not stated): TOPMed below 0.00001; ExAC 0.00001; 1000 Genomes Project 30x 0.00016; 1000 Genomes Project 0.00020; gnomAD exomes 0.00001 and below 0.00001; gnomAD 0.00001; ESP Exome Variant Server 0.00008.
gnomAD v4.1: 3 of 1,613,744 alleles (0.00019%); highest among the groups gnomAD compares: African/African-American, 0.0027%; no homozygotes.

Submissions (2):

Ambry Genetics
Classification: Uncertain significance for Cardiovascular phenotype. Last evaluated: 2026-06-08. Review status: criteria provided, single submitter. Criteria: Ambry Variant Classification Scheme 2023. Collection method: clinical testing. Allele origin: germline.
Comment: The p.N417S variant (also known as c.1250A>G), located in coding exon 7 of the DES gene, results from an A to G substitution at nucleotide position 1250. The asparagine at codon 417 is replaced by serine, an amino acid with highly similar properties. This variant was reported in individual(s) with features consistent with dilated cardiomyopathy (DCM) (Perret C et al. Clin Genet, 2024 Feb;105:185-189). This amino acid position is not well conserved in available vertebrate species. In addition, this alteration is predicted to be tolerated by in silico analysis. Based on the available evidence, the clinical significance of this variant remains unclear.

Labcorp Genetics (formerly Invitae), Labcorp
Classification: Uncertain significance for Desmin-related myofibrillar myopathy. Last evaluated: 2025-12-15. Review status: criteria provided, single submitter. Criteria: Invitae Variant Classification Sherloc (09022015). Collection method: clinical testing. Allele origin: germline.
Comment: This sequence change replaces asparagine, which is neutral and polar, with serine, which is neutral and polar, at codon 417 of the DES protein (p.Asn417Ser). This variant is present in population databases (rs376141178, gnomAD 0.01%). This missense change has been observed in individual(s) with dilated cardiomyopathy (PMID: 37652022). ClinVar contains an entry for this variant (Variation ID: 968580). Invitae Evidence Modeling of protein sequence and biophysical properties (such as structural, functional, and spatial information, amino acid conservation, physicochemical variation, residue mobility, and thermodynamic stability) indicates that this missense variant is not expected to disrupt DES protein function with a negative predictive value of 80%. In summary, the available evidence is currently insufficient to determine the role of this variant in disease. Therefore, it has been classified as a Variant of Uncertain Significance.

Literature cited by the submitters: PubMed 37904629 (cited by Ambry Genetics); PubMed 37652022 (cited by Labcorp Genetics (formerly Invitae), Labcorp).

NM_001927.4(DES):c.1250A>G (p.Asn417Ser)

Gene: DES (desmin; plus strand). Cytogenetic location: 2q35.
Variant type: single nucleotide variant.
Coding change: c.1250A>G on transcript NM_001927.4 (MANE Select); coding-DNA position 1250, A replaced by G.
Protein change: p.Asn417Ser; replaces asparagine 417 with serine.
Molecular consequence: missense variant.
Genome position (GRCh38, 1-based): chr2:219,423,782, A>G. VCF-style: chr2-219423782-A-G. GRCh37 (hg19) VCF-style: chr2-220288504-A-G.
Other names: c.1247A>G, p.Asn416Ser (NM_001382708.1); c.818A>G, p.Asn273Ser (NM_001382709.1); c.1181A>G, p.Asn394Ser (NM_001382710.1); c.1229A>G, p.Asn410Ser (NM_001382711.1); c.1250A>G, p.Asn417Ser (NM_001382712.1); c.980A>G, p.Asn327Ser (NM_001382713.1); short protein forms N394S, N273S, N416S, N327S, N410S, N417S.
Identifiers: ClinVar variation 968580 (VCV000968580.10), dbSNP rs376141178, ClinGen allele CA2125277.